The following is an entry in ClinVar:

ClinVar aggregate classification (germline): Uncertain significance. Review status: criteria provided, multiple submitters, no conflicts (2 of 4 stars). 2 submissions from 2 submitters: Uncertain significance (2). Last evaluated 2024-04-22.

Allele frequency attached by ClinVar (database versions not stated): gnomAD exomes below 0.00001.
gnomAD v4.1: 2 of 1,605,942 alleles (0.00012%); highest among the groups gnomAD compares: Non-Finnish European, 0.00017%; no homozygotes.

Submissions (2):

Ambry Genetics
Classification: Uncertain significance. Last evaluated: 2024-04-22. Review status: criteria provided, single submitter. Criteria: Ambry Variant Classification Scheme 2023. Collection method: clinical testing. Allele origin: germline.
Comment: The p.E289K variant (also known as c.865G>A), located in coding exon 6 of the RECQL gene, results from a G to A substitution at nucleotide position 865. The glutamic acid at codon 289 is replaced by lysine, an amino acid with similar properties. This amino acid position is conserved. In addition, this alteration is predicted to be deleterious by in silico analysis. Based on the available evidence, the clinical significance of this variant remains unclear.

Labcorp Genetics (formerly Invitae), Labcorp
Classification: Uncertain significance. Last evaluated: 2021-05-08. Review status: criteria provided, single submitter. Criteria: Invitae Variant Classification Sherloc (09022015). Collection method: clinical testing. Allele origin: germline.
Comment: In summary, the available evidence is currently insufficient to determine the role of this variant in disease. Therefore, it has been classified as a Variant of Uncertain Significance. Algorithms developed to predict the effect of missense changes on protein structure and function are either unavailable or do not agree on the potential impact of this missense change (SIFT: "Tolerated"; PolyPhen-2: "Probably Damaging"; Align-GVGD: "Class C0"). This variant has not been reported in the literature in individuals with RECQL-related conditions. This variant is not present in population databases (ExAC no frequency). This sequence change replaces glutamic acid with lysine at codon 289 of the RECQL protein (p.Glu289Lys). The glutamic acid residue is highly conserved and there is a small physicochemical difference between glutamic acid and lysine.

NM_002907.4(RECQL):c.865G>A (p.Glu289Lys)

Gene: RECQL (RecQ like helicase; minus strand). Cytogenetic location: 12p12.1.
Variant type: single nucleotide variant.
Coding change: c.865G>A on transcript NM_002907.4 (MANE Select); coding-DNA position 865, G replaced by A.
Protein change: p.Glu289Lys; replaces glutamic acid 289 with lysine.
Molecular consequence: missense variant.
Genome position (GRCh38, 1-based): chr12:21,477,805, C>T on the plus strand (G>A on the coding strand, the complement: RECQL is on the minus strand). VCF-style: chr12-21477805-C-T. GRCh37 (hg19) VCF-style: chr12-21630739-C-T.
Other names: c.865G>A, p.Glu289Lys (NM_032941.3); c.865G>A (NM_002907.3); short protein forms E289K.
Identifiers: ClinVar variation 1437626 (VCV001437626.9), dbSNP rs1565566040, ClinGen allele CA384123846.